The following is an entry in ClinVar:

ClinVar aggregate classification (germline): Uncertain significance (1 of 4 stars; one submission).

Conditions:
Focal segmental glomerulosclerosis 7 (FSGS7). Identifiers: Orphanet 656, MedGen C4014925, MONDO:0014451, OMIM 616002.

Submission:

Victorian Clinical Genetics Services, Murdoch Childrens Research Institute
Classification: Uncertain significance for Focal segmental glomerulosclerosis 7. Last evaluated: 2025-11-26. Review status: criteria provided, single submitter. Criteria: ACMG Guidelines, 2015. Collection method: clinical testing. Allele origin: germline. Affected: yes.
Comment: This variant is classified as VUS-3A. Evidence in support of pathogenic classification: Variant is absent from gnomAD (v2, v3 and v4); Other missense variant(s) comparable to the one identified in this case have moderate previous evidence for pathogenicity. p.(Gly25Glu) has been classified as likely pathogenic by a clinical laboratory in ClinVar. Additionally, p.(Gly25Val) has been reported in the literature in a mother and daughter with papillorenal syndrome (PMID: 22213154). Variant is located in a hotspot region or cluster of PATHOGENIC variants in the paired box domain (DECIPHER); Missense variant predicted to be damaging by in silico tool(s) or highly conserved with a major amino acid change. Additional information: Variant is predicted to result in a missense amino acid change from Gly to Ala; This variant is heterozygous; This gene is associated with autosomal dominant disease; Alternative amino acid change(s) at the same position are present in gnomAD (v4: 1 heterozygote(s), 0 homozygote(s)); This variant has no previous evidence of pathogenicity; No published evidence of segregation with disease has been identified for this variant; No published functional evidence has been identified for this variant; Loss of function is a known mechanism of disease in this gene and is associated with a spectrum of disease from focal segmental glomerulosclerosis, 7 (MIM#616002) to papillorenal syndrome (MIM#120330); Variants in this gene are known to have variable expressivity (PMIDs: 20301624, 34696790); Inheritance information for this variant is not currently available in this individual.

Literature cited by the submitters: PubMed 20301624; PubMed 34696790; PubMed 22213154.

NM_000278.5(PAX2):c.74G>C (p.Gly25Ala)

Gene: PAX2 (paired box 2; plus strand). Cytogenetic location: 10q24.31.
Variant type: single nucleotide variant.
Coding change: c.74G>C on transcript NM_000278.5 (MANE Select); coding-DNA position 74, G replaced by C.
Protein change: p.Gly25Ala; replaces glycine 25 with alanine.
Molecular consequence: missense variant.
Genome position (GRCh38, 1-based): chr10:100,749,776, G>C. VCF-style: chr10-100749776-G-C. GRCh37 (hg19) VCF-style: chr10-102509533-G-C.
Other names: c.167G>C, p.Gly56Ala (NM_001304569.2); c.74G>C, p.Gly25Ala (NM_003987.5, NM_003988.5, NM_003989.5 and 1 more transcripts); short protein forms G25A, G56A.
Identifiers: ClinVar variation 4818937 (VCV004818937.1).